The following is an entry in ClinVar:

ClinVar aggregate classification (germline): Conflicting classifications of pathogenicity. Review status: criteria provided, conflicting classifications (1 of 4 stars). 7 submissions from 7 submitters: Uncertain significance (5); Likely benign (2). Last evaluated 2026-06-15.

Conditions:
HNF1A-related disorder. Also called: HNF1A-related condition.
Hepatic adenomas, familial. Also called: LIVER CELL ADENOMAS, FAMILIAL; HEPATIC ADENOMA, SOMATIC. Identifiers: MedGen C1840646, MONDO:0007718, OMIM 142330.
Type 1 diabetes mellitus 20 (T1D20). Also called: Diabetes mellitus, insulin-dependent, 20. Identifiers: MedGen C2675866, MONDO:0012919, OMIM 612520.
Nonpapillary renal cell carcinoma. Identifiers: Orphanet 422526, MedGen CN074294, MONDO:0007763, OMIM 144700.
Type 2 diabetes mellitus. Also called: Type II diabetes mellitus. Identifiers: MedGen C0011860, MeSH D003924, MONDO:0005148, OMIM 125853, HP:0005978.
Maturity-onset diabetes of the young type 3. Also called: MODY, type III; MODY type 3. Identifiers: Orphanet 552, MedGen C1838100, MeSH C563933, MONDO:0010894, OMIM 600496. Disease mechanism: loss of function.
Diabetes mellitus type 1 (T1D). Also called: Type I diabetes mellitus; Diabetes Mellitus, Juvenile-Onset. Identifiers: MedGen C0011854, MONDO:0005147, OMIM 222100, HP:0100651.
Maturity-onset diabetes of the young (MODY). Also called: Maturity onset diabetes mellitus in young. Identifiers: Orphanet 552, MedGen C0342276, MONDO:0018911, HP:0004904.

Allele frequency attached by ClinVar (database versions not stated): gnomAD exomes 0.00001; TOPMed 0.00005; ExAC 0.00008.

Submissions (7):

PreventionGenetics, part of Exact Sciences
Classification: Uncertain significance for HNF1A-related condition. Last evaluated: 2026-06-15. Review status: criteria provided, single submitter. Criteria: ACMG Guidelines, 2015. Collection method: clinical testing. Allele origin: germline.
Comment: The HNF1A c.977C>T variant is predicted to result in the amino acid substitution p.Ala326Val. This variant has been reported in individuals with type 2 diabetes, but it has also been identified in control populations (Table S1, Althari et al. 2020. PubMed ID: 32910913; Supplementary Table 3, Bonnefond et al. 2020. PubMed ID: 33046911). In vitro experimental studies suggest this variant may impact protein function, but the pathogenicity remains inconclusive (Figure S5, Althari et al. 2020. PubMed ID: 32910913). This variant is reported in 0.055% of alleles in individuals of East Asian descent in gnomAD. At this time, the clinical significance of this variant is uncertain due to the absence of conclusive functional and genetic evidence.

Labcorp Genetics (formerly Invitae), Labcorp
Classification: Uncertain significance. Last evaluated: 2025-08-18. Review status: criteria provided, single submitter. Criteria: Invitae Variant Classification Sherloc (09022015). Collection method: clinical testing. Allele origin: germline.
Comment: This sequence change replaces alanine, which is neutral and non-polar, with valine, which is neutral and non-polar, at codon 326 of the HNF1A protein (p.Ala326Val). This variant is present in population databases (rs369764257, gnomAD 0.06%). This missense change has been observed in individual(s) with HNF1A-related conditions (PMID: 32910913). ClinVar contains an entry for this variant (Variation ID: 435425). Invitae Evidence Modeling of protein sequence and biophysical properties (such as structural, functional, and spatial information, amino acid conservation, physicochemical variation, residue mobility, and thermodynamic stability) indicates that this missense variant is not expected to disrupt HNF1A protein function with a negative predictive value of 80%. In summary, the available evidence is currently insufficient to determine the role of this variant in disease. Therefore, it has been classified as a Variant of Uncertain Significance.

Women's Health and Genetics/Laboratory Corporation of America, LabCorp
Classification: Likely benign. Last evaluated: 2025-01-13. Review status: criteria provided, single submitter. Criteria: LabCorp Variant Classification Summary - May 2015. Collection method: clinical testing. Allele origin: germline.
Comment: Variant summary: HNF1A c.977C>T (p.Ala326Val) results in a non-conservative amino acid change in the encoded protein sequence. Three of five in-silico tools predict a benign effect of the variant on protein function. The variant allele was found at a frequency of 4.8e-05 in 251390 control chromosomes. The observed variant frequency is approximately 2 fold of the estimated maximal expected allele frequency for a pathogenic variant in HNF1A causing Maturity Onset Diabetes Of The Young 3 phenotype (2.5e-05). c.977C>T has been reported in the literature in individuals affected with Type 2 Diabetes (Althari_2020, Bonnefond_2020, Stalbow_2023). These report(s) do not provide unequivocal conclusions about association of the variant with Maturity Onset Diabetes Of The Young 3. One publication reports experimental evidence evaluating an impact on protein function, however, does not allow convincing conclusions about the variant effect (Althari_2020). The following publications have been ascertained in the context of this evaluation (PMID: 32910913, 33046911, 36216889). ClinVar contains an entry for this variant (Variation ID: 435425). Based on the evidence outlined above, the variant was classified as likely benign.

Fulgent Genetics
Classification: Uncertain significance for Type 2 diabetes mellitus; Hepatic adenomas, familial; Nonpapillary renal cell carcinoma; Diabetes mellitus type 1; Maturity-onset diabetes of the young type 3; Type 1 diabetes mellitus 20. Last evaluated: 2024-03-28. Review status: criteria provided, single submitter. Criteria: ACMG Guidelines, 2015. Collection method: clinical testing. Allele origin: germline.

Illumina Laboratory Services, Illumina
Classification: Likely benign for Maturity-onset diabetes of the young type 3. Last evaluated: 2018-01-13. Review status: criteria provided, single submitter. Criteria: ICSL Variant Classification Criteria 13 December 2019. Collection method: clinical testing. Allele origin: germline.
Comment: This variant was observed in the ICSL laboratory as part of a predisposition screen in an ostensibly healthy population. It had not been previously curated by ICSL or reported in the Human Gene Mutation Database (HGMD: prior to June 1st, 2018), and was therefore a candidate for classification through an automated scoring system. Utilizing variant allele frequency, disease prevalence and penetrance estimates, and inheritance mode, an automated score was calculated to assess if this variant is too frequent to cause the disease. Based on the score and internal cut-off values, a variant classified as likely benign is not then subjected to further curation. The score for this variant resulted in a classification of likely benign for this disease.

Genetic Services Laboratory, University of Chicago
Classification: Uncertain significance. Last evaluated: 2015-04-15. Review status: criteria provided, single submitter. Criteria: ACMG Guidelines, 2015. Collection method: clinical testing. Allele origin: germline. Affected: no.

Clinical Genomics, Uppaluri K&H Personalized Medicine Clinic
Classification: Uncertain significance for Maturity-onset diabetes of the young. Review status: criteria provided, single submitter. Criteria: K & H Uppaluri Personalized Medicine Clinic Variant Classification & Assertion Criteria_Updated V.1. Collection method: research. Allele origin: unknown. Inheritance: Autosomal dominant inheritance.
Comment: Mutations in HNF1A gene can predispose to MODY3. It is associated with both micro and macrovascular complications of diabetes, especially cardiovascular complications. Associated with glucosuria. May respond well to sulfonylureas. However, more evidence is required to confer the association of this particular variant rs369764257 with MODY3.

Literature cited by the submitters: PubMed 32910913 (cited by Labcorp Genetics (formerly Invitae), Labcorp and Women's Health and Genetics/Laboratory Corporation of America, LabCorp); PubMed 33046911 (cited by Women's Health and Genetics/Laboratory Corporation of America, LabCorp); PubMed 36216889 (cited by Women's Health and Genetics/Laboratory Corporation of America, LabCorp); PubMed 31517624 (cited by Clinical Genomics, Uppaluri K&H Personalized Medicine Clinic); PubMed 32395877 (cited by Clinical Genomics, Uppaluri K&H Personalized Medicine Clinic); PubMed 35328643 (cited by Clinical Genomics, Uppaluri K&H Personalized Medicine Clinic); PubMed 35673428 (cited by Clinical Genomics, Uppaluri K&H Personalized Medicine Clinic).

NM_000545.8(HNF1A):c.977C>T (p.Ala326Val)

Gene: HNF1A (HNF1 homeobox A; plus strand). Cytogenetic location: 12q24.31.
Variant type: single nucleotide variant.
Coding change: c.977C>T on transcript NM_000545.8 (MANE Select); coding-DNA position 977, C replaced by T.
Protein change: p.Ala326Val; replaces alanine 326 with valine.
Molecular consequence: missense variant.
Genome position (GRCh38, 1-based): chr12:120,996,283, C>T. VCF-style: chr12-120996283-C-T. GRCh37 (hg19) VCF-style: chr12-121434086-C-T.
Other names: c.977C>T, p.Ala326Val (NM_001306179.2); c.977C>T (NM_000545.6); short protein forms A326V.
Identifiers: ClinVar variation 435425 (VCV000435425.15), dbSNP rs369764257, ClinGen allele CA6831898.